The following is an entry in ClinVar:

ClinVar aggregate classification (germline): Benign/Likely benign. Review status: criteria provided, multiple submitters, no conflicts (2 of 4 stars). 2 submissions from 2 submitters: Benign (1); Likely benign (1). Last evaluated 2024-03-04.

Conditions:
Familial adenomatous polyposis 1 (FAP1). Also called: FAMILIAL ADENOMATOUS POLYPOSIS 1, ATTENUATED; POLYPOSIS, ADENOMATOUS INTESTINAL. Identifiers: MedGen C2713442, MONDO:0021056, OMIM 175100. Disease mechanism: loss of function.

Allele frequency attached by ClinVar (database versions not stated): gnomAD exomes below 0.00001.
gnomAD v4.1: 4 of 1,613,966 alleles (0.00025%); highest among the groups gnomAD compares: Non-Finnish European, 0.00034%; no homozygotes.

Submissions (2):

Myriad Genetics, Inc.
Classification: Benign for Familial adenomatous polyposis 1. Last evaluated: 2024-03-04. Review status: criteria provided, single submitter. Criteria: Myriad Autosomal Dominant, Autosomal Recessive and X-Linked Classification Criteria (2023). Collection method: clinical testing. Allele origin: unknown.
Comment: This variant is considered benign. This variant is a silent/synonymous amino acid change and it is not expected to impact splicing.

Labcorp Genetics (formerly Invitae), Labcorp
Classification: Likely benign for Familial adenomatous polyposis 1. Last evaluated: 2023-12-04. Review status: criteria provided, single submitter. Criteria: Invitae Variant Classification Sherloc (09022015). Collection method: clinical testing. Allele origin: germline.

NM_000038.6(APC):c.1497A>G (p.Arg499=)

Gene: APC (APC regulator of Wnt signaling pathway; plus strand). Cytogenetic location: 5q22.2.
Variant type: single nucleotide variant.
Coding change: c.1497A>G on transcript NM_000038.6 (MANE Select); coding-DNA position 1497, A replaced by G.
Protein change: p.Arg499=; no amino-acid change (arginine 499 retained).
Molecular consequence: synonymous variant.
Genome position (GRCh38, 1-based): chr5:112,827,196, A>G. VCF-style: chr5-112827196-A-G. GRCh37 (hg19) VCF-style: chr5-112162893-A-G.
Other names: c.1497A>G, p.Arg499= (NM_001127510.3, NM_001354895.2, NM_001407450.1); c.1443A>G, p.Arg481= (NM_001127511.3); c.1551A>G, p.Arg517= (NM_001354896.2, NM_001407447.1, NM_001407448.1 and 1 more transcripts); c.1527A>G, p.Arg509= (NM_001354897.2); c.1422A>G, p.Arg474= (NM_001354898.2); c.1413A>G, p.Arg471= (NM_001354899.2); c.1374A>G, p.Arg458= (NM_001354900.2); c.1320A>G, p.Arg440= (NM_001354901.2, NM_001407453.1); and 11 more.
Identifiers: ClinVar variation 1911796 (VCV001911796.6), dbSNP rs2149809781, ClinGen allele CA445756030.